The following is an entry in ClinVar:

NM_000388.4(CASR):c.2585T>C (p.Phe862Ser)

Gene: CASR (calcium sensing receptor; plus strand). Cytogenetic location: 3q21.1.
Variant type: single nucleotide variant.
Coding change: c.2585T>C on transcript NM_000388.4 (MANE Select); coding-DNA position 2585, T replaced by C.
Protein change: p.Phe862Ser; replaces phenylalanine 862 with serine.
Molecular consequence: missense variant.
Genome position (GRCh38, 1-based): chr3:122,284,539, T>C. VCF-style: chr3-122284539-T-C. GRCh37 (hg19) VCF-style: chr3-122003386-T-C.
Other names: c.2615T>C, p.Phe872Ser (NM_001178065.2); short protein forms F862S, F872S.
Identifiers: ClinVar variation 532619 (VCV000532619.14), dbSNP rs201328344, ClinGen allele CA2569836.

ClinVar aggregate classification (germline): Conflicting classifications of pathogenicity. Review status: criteria provided, conflicting classifications (1 of 4 stars). 4 submissions from 4 submitters: Uncertain significance (2); Benign (1); Likely benign (1). Last evaluated 2025-10-03.

Conditions:
Nephrolithiasis/nephrocalcinosis. Identifiers: MedGen CN580796.
Familial hypocalciuric hypercalcemia (FHH). Also called: Familial benign hypercalcemia. Identifiers: Orphanet 405, MedGen C1809471, MONDO:0018458.
Autosomal dominant hypocalcemia 1 (HYPOC1). Also called: HYPOCALCEMIA, FAMILIAL. Identifiers: MedGen C3715128, MONDO:0011013, OMIM 601198.
Familial hypocalciuric hypercalcemia 1. Also called: Hypercalcemia, familial benign type 1. Identifiers: Orphanet 405, Orphanet 93372, MedGen C0342637, MONDO:0007791, OMIM 145980.

Allele frequency attached by ClinVar (database versions not stated): gnomAD 0.00001; TOPMed 0.00001; gnomAD exomes 0.00004 and 0.00012; ExAC 0.00012.
gnomAD v4.1: 67 of 1,613,808 alleles (0.0042%); highest among the groups gnomAD compares: South Asian, 0.066%; no homozygotes.

Submissions (4):

Rare Kidney Stone Consortium and the Mayo Clinic Hyperoxaluria Center, Mayo Clinic
Classification: Uncertain significance for Autosomal dominant hypocalcemia 1; Familial hypocalciuric hypercalcemia 1. Last evaluated: 2025-10-03. Review status: criteria provided, single submitter. Criteria: ACMG Guidelines, 2015. Collection method: research. Allele origin: germline. Observed: 1 variant allele.
Comment: ACMG:PM1, PM2, PP2, PP3, BP6, BS1

Labcorp Genetics (formerly Invitae), Labcorp
Classification: Likely benign for Familial hypocalciuric hypercalcemia; Autosomal dominant hypocalcemia 1. Last evaluated: 2025-06-03. Review status: criteria provided, single submitter. Criteria: Invitae Variant Classification Sherloc (09022015). Collection method: clinical testing. Allele origin: germline.

Blueprint Genetics
Classification: Uncertain significance. Last evaluated: 2024-11-17. Review status: criteria provided, single submitter. Criteria: ACMG Guidelines, 2015. Collection method: clinical testing. Allele origin: germline.

Ambry Genetics
Classification: Benign for Nephrolithiasis/nephrocalcinosis. Last evaluated: 2024-01-24. Review status: criteria provided, single submitter. Criteria: Ambry Variant Classification Scheme 2023. Collection method: clinical testing. Allele origin: germline.

Literature cited by the submitters: PubMed 40794449 (cited by Rare Kidney Stone Consortium and the Mayo Clinic Hyperoxaluria Center, Mayo Clinic).